The following is an entry in ClinVar:

ClinVar aggregate classification (germline): Likely pathogenic (1 of 4 stars; one submission).

Conditions:
Neurofibromatosis, type 1 (NF1). Also called: Neurofibromatosis, type I; NEUROFIBROMATOSIS, TYPE I, SOMATIC; VON RECKLINGHAUSEN DISEASE; Peripheral type neurofibromatosis. Identifiers: Orphanet 636, MedGen C0027831, MONDO:0018975, OMIM 162200. Disease mechanism: loss of function.

Submission:

Department of Paediatric Medicine, Post Graduation Institute of Medical Education and Research
Classification: Likely pathogenic for Neurofibromatosis, type 1. Last evaluated: 2023-07-21. Review status: criteria provided, single submitter. Criteria: ACMG Guidelines, 2015. Collection method: clinical testing. Allele origin: de novo. Inheritance: Autosomal dominant inheritance. Affected: yes. Observed: 1 variant allele, 1 heterozygote.
Comment: A Frameshift variant c.430dup in Exon 4 of the NF1 gene that results in the amino acid substitution p.Ser144fs*12 was identified. The observed variant is novel in gnomAD exomes and genomes, respectively. The severity of the impact of this variant on the protein is high, based on the effect of the protein and REVEL score . Rare Exome Variant Ensemble Learner (REVEL) is an ensembl method for predicting the pathogenicity of missense variants based on a combination of scores from 13 individual tools: MutPred, FATHMM v2.3, VEST 3.0, PolyPhen-2, SIFT, PROVEAN, MutationAssessor, MutationTaster, LRT, GERP++, SiPhy, phyloP, and phastCons. The REVEL score for an individual missense variant can range from 0 to 1, with higher scores reflecting greater likelihood that the variant is disease-causing.

NM_001042492.3(NF1):c.430dup (p.Ser144fs)

Gene: NF1 (neurofibromin 1; plus strand). Cytogenetic location: 17q11.2.
Variant type: Duplication.
Coding change: c.430dup on transcript NM_001042492.3 (MANE Select); coding-DNA position 430, one base duplicated (T; older notation c.430dupT).
Protein change: p.Ser144fs; shifts the reading frame from serine 144.
Molecular consequence: frameshift variant.
Genome position (GRCh38, 1-based): chr17:31,163,327, T duplicated; the last of 4 consecutive T bases (chr17:31,163,324-31,163,327); duplicating any one gives the same sequence. VCF-style (leftmost placement, unchanged base first): chr17-31163323-A-AT. GRCh37 (hg19) VCF-style: chr17-29490341-A-AT.
Other names: c.430dup, p.Ser144Phefs (NM_000267.4); c.430dup, p.Ser144fs (NM_001128147.3); short protein forms S144fs.
Identifiers: ClinVar variation 2573199 (VCV002573199.2), dbSNP rs869196514, ClinGen allele CA2580614039.